The following is an entry in ClinVar:

ClinVar aggregate classification (germline): Uncertain significance. Review status: criteria provided, multiple submitters, no conflicts (2 of 4 stars). 2 submissions from 2 submitters: Uncertain significance (2). Last evaluated 2025-09-08.

Conditions:
Inborn genetic diseases. Identifiers: MedGen C0950123, MeSH D030342.

Allele frequency attached by ClinVar (database versions not stated): ExAC 0.00003.
gnomAD v4.1: 73 of 1,613,752 alleles (0.0045%); highest among the groups gnomAD compares: South Asian, 0.0077%; no homozygotes.

Submissions (2):

Labcorp Genetics (formerly Invitae), Labcorp
Classification: Uncertain significance. Last evaluated: 2025-09-08. Review status: criteria provided, single submitter. Criteria: Invitae Variant Classification Sherloc (09022015). Collection method: clinical testing. Allele origin: germline.
Comment: This sequence change replaces valine, which is neutral and non-polar, with methionine, which is neutral and non-polar, at codon 2318 of the LAMA1 protein (p.Val2318Met). This variant is present in population databases (rs750029622, gnomAD 0.01%). This variant has not been reported in the literature in individuals affected with LAMA1-related conditions. ClinVar contains an entry for this variant (Variation ID: 1989430). Invitae Evidence Modeling of protein sequence and biophysical properties (such as structural, functional, and spatial information, amino acid conservation, physicochemical variation, residue mobility, and thermodynamic stability) indicates that this missense variant is not expected to disrupt LAMA1 protein function with a negative predictive value of 80%. In summary, the available evidence is currently insufficient to determine the role of this variant in disease. Therefore, it has been classified as a Variant of Uncertain Significance.

Ambry Genetics
Classification: Uncertain significance for Inborn genetic diseases. Last evaluated: 2023-12-08. Review status: criteria provided, single submitter. Criteria: Ambry Variant Classification Scheme 2023. Collection method: clinical testing. Allele origin: germline.

NM_005559.4(LAMA1):c.6952G>A (p.Val2318Met)

Gene: LAMA1 (laminin subunit alpha 1; minus strand). Cytogenetic location: 18p11.31.
Variant type: single nucleotide variant.
Coding change: c.6952G>A on transcript NM_005559.4 (MANE Select); coding-DNA position 6952, G replaced by A.
Protein change: p.Val2318Met; replaces valine 2318 with methionine.
Molecular consequence: missense variant.
Genome position (GRCh38, 1-based): chr18:6,966,245, C>T on the plus strand (G>A on the coding strand, the complement: LAMA1 is on the minus strand). VCF-style: chr18-6966245-C-T. GRCh37 (hg19) VCF-style: chr18-6966244-C-T.
Other names: c.6952G>A (NM_005559.3); short protein forms V2318M.
Identifiers: ClinVar variation 1989430 (VCV001989430.5), dbSNP rs750029622, ClinGen allele CA8881067.